The following is an entry in ClinVar:

NM_016058.5(TPRKB):c.263A>G (p.Asn88Ser)

Gene: TPRKB (TP53RK binding protein; minus strand). Cytogenetic location: 2p13.1.
Variant type: single nucleotide variant.
Coding change: c.263A>G on transcript NM_016058.5 (MANE Select); coding-DNA position 263, A replaced by G.
Protein change: p.Asn88Ser; replaces asparagine 88 with serine.
Molecular consequence: missense variant.
Genome position (GRCh38, 1-based): chr2:73,732,164, T>C on the plus strand (A>G on the coding strand, the complement: TPRKB is on the minus strand). VCF-style: chr2-73732164-T-C. GRCh37 (hg19) VCF-style: chr2-73959291-T-C.
Other names: c.380A>G, p.Asn127Ser (NM_001330386.2, NM_001330387.2); c.263A>G, p.Asn88Ser (NM_001330388.2, NM_001330389.2); c.209A>G, p.Asn70Ser (NM_001330390.2); c.164A>G, p.Asn55Ser (NM_001330391.2, NM_001330392.2); short protein forms N88S, N55S, N70S, N127S.
Identifiers: ClinVar variation 4598382 (VCV004598382.2).

ClinVar aggregate classification (germline): Uncertain significance. Review status: criteria provided, multiple submitters, no conflicts (2 of 4 stars). 2 submissions from 2 submitters: Uncertain significance (2). Last evaluated 2025-10-14.

gnomAD v4.1: 14 of 1,613,208 alleles (0.00087%); highest among the groups gnomAD compares: Non-Finnish European, 0.0011%; no homozygotes.

Submissions (2):

Ambry Genetics
Classification: Uncertain significance. Last evaluated: 2025-10-14. Review status: criteria provided, single submitter. Criteria: Ambry Variant Classification Scheme 2023. Collection method: clinical testing. Allele origin: germline.

Labcorp Genetics (formerly Invitae), Labcorp
Classification: Uncertain significance. Last evaluated: 2025-09-24. Review status: criteria provided, single submitter. Criteria: Invitae Variant Classification Sherloc (09022015). Collection method: clinical testing. Allele origin: germline.
Comment: This sequence change replaces asparagine, which is neutral and polar, with serine, which is neutral and polar, at codon 88 of the TPRKB protein (p.Asn88Ser). This variant is not present in population databases (gnomAD no frequency). This variant has not been reported in the literature in individuals affected with TPRKB-related conditions. An algorithm developed to predict the effect of missense changes on protein structure and function outputs the following: PolyPhen-2: "Benign". The serine amino acid residue is found in multiple mammalian species, which suggests that this missense change does not adversely affect protein function. Algorithms developed to predict the effect of sequence changes on RNA splicing suggest that this variant may disrupt the consensus splice site. In summary, the available evidence is currently insufficient to determine the role of this variant in disease. Therefore, it has been classified as a Variant of Uncertain Significance.